The following is an entry in ClinVar:

ClinVar aggregate classification (germline): Pathogenic (1 of 4 stars; one submission).

Conditions:
Congenital anomaly of kidney and urinary tract. Also called: Congenital anomalies of kidney and urinary tract; Congenital anomalies of the kidney and urinary tract. Identifiers: Orphanet 93545, MedGen C1968949, MeSH C566906, MONDO:0019719.

Submission:

Institute of Human Genetics, University of Leipzig Medical Center
Classification: Pathogenic for Congenital anomaly of kidney and urinary tract. Last evaluated: 2021-05-10. Review status: criteria provided, single submitter. Criteria: ACMG Guidelines, 2015. Collection method: clinical testing. Allele origin: maternal. Affected: yes.
Comment: PVS1_VeryStrong, PM2_Supporting, PM3_Moderate

NM_002941.4(ROBO1):c.4156G>T (p.Gly1386Ter)

Gene: ROBO1 (roundabout guidance receptor 1; minus strand). Cytogenetic location: 3p12.3.
Variant type: single nucleotide variant.
Coding change: c.4156G>T on transcript NM_002941.4 (MANE Select); coding-DNA position 4156, G replaced by T.
Protein change: p.Gly1386Ter; replaces glycine 1386 with a stop codon.
Molecular consequence: nonsense.
Genome position (GRCh38, 1-based): chr3:78,617,761, C>A on the plus strand (G>T on the coding strand, the complement: ROBO1 is on the minus strand). VCF-style: chr3-78617761-C-A. GRCh37 (hg19) VCF-style: chr3-78666911-C-A.
Other names: c.3856G>T, p.Gly1286Ter (NM_001145845.2); c.4021G>T, p.Gly1341Ter (NM_133631.4); short protein forms G1286*, G1341*, G1386*.
Identifiers: ClinVar variation 1077087 (VCV001077087.1), dbSNP rs777460645, ClinGen allele CA353648261.